The following is an entry in ClinVar:

ClinVar aggregate classification (germline): Uncertain significance (1 of 4 stars; one submission).

Conditions:
Dystonic disorder. Also called: Dystonia. Identifiers: MedGen C0013421, MONDO:0003441, HP:0001332.

Allele frequency attached by ClinVar (database versions not stated): gnomAD exomes 0.00001.
gnomAD v4.1: 7 of 1,588,506 alleles (0.00044%); highest among the groups gnomAD compares: Non-Finnish European, 0.0006%; no homozygotes.

Submission:

Labcorp Genetics (formerly Invitae), Labcorp
Classification: Uncertain significance for Dystonic disorder. Last evaluated: 2023-06-23. Review status: criteria provided, single submitter. Criteria: Invitae Variant Classification Sherloc (09022015). Collection method: clinical testing. Allele origin: germline.
Comment: This sequence change affects codon 886 of the ANO3 mRNA. It is a 'silent' change, meaning that it does not change the encoded amino acid sequence of the ANO3 protein. It affects a nucleotide within the consensus splice site. This variant is not present in population databases (gnomAD no frequency). This variant has not been reported in the literature in individuals affected with ANO3-related conditions. Algorithms developed to predict the effect of sequence changes on RNA splicing suggest that this variant is not likely to affect RNA splicing. In summary, the available evidence is currently insufficient to determine the role of this variant in disease. Therefore, it has been classified as a Variant of Uncertain Significance.

NM_031418.4(ANO3):c.2658G>A (p.Arg886=)

Gene: ANO3 (anoctamin 3; plus strand). Cytogenetic location: 11p14.2.
Variant type: single nucleotide variant.
Coding change: c.2658G>A on transcript NM_031418.4 (MANE Select); coding-DNA position 2658, G replaced by A.
Protein change: p.Arg886=; no amino-acid change (arginine 886 retained).
Molecular consequence: synonymous variant.
Genome position (GRCh38, 1-based): chr11:26,656,376, G>A. VCF-style: chr11-26656376-G-A. GRCh37 (hg19) VCF-style: chr11-26677923-G-A.
Other names: c.2841G>A, p.Arg947= (NM_001313726.2); c.2220G>A, p.Arg740= (NM_001313727.2).
Identifiers: ClinVar variation 2717901 (VCV002717901.3), dbSNP rs2539029194, ClinGen allele CA473555560.